The following is an entry in ClinVar:

NM_020297.4(ABCC9):c.4512T>C (p.Ala1504=)

Genes: ABCC9 (ATP binding cassette subfamily C member 9; minus strand), KCNJ8-AS1 (KCNJ8 antisense RNA 1; plus strand). Cytogenetic location: 12p12.1.
Variant type: single nucleotide variant.
Coding change: c.4512T>C on transcript NM_020297.4 (MANE Select); coding-DNA position 4512, T replaced by C.
Protein change: p.Ala1504=; no amino-acid change (alanine 1504 retained).
Molecular consequence: synonymous variant.
Genome position (GRCh38, 1-based): chr12:21,805,998, A>G on the plus strand (T>C on the coding strand, the complement: ABCC9 is on the minus strand). VCF-style: chr12-21805998-A-G. GRCh37 (hg19) VCF-style: chr12-21958932-A-G.
Other names: p.Ala1504=; c.4512T>C, p.Ala1504= (NM_001377273.1, NM_005691.4); c.3645T>C, p.Ala1215= (NM_001377274.1).
Identifiers: ClinVar variation 1741141 (VCV001741141.6), dbSNP rs777591544, ClinGen allele CA478869283.

ClinVar aggregate classification (germline): Conflicting classifications of pathogenicity. Review status: criteria provided, conflicting classifications (1 of 4 stars). 3 submissions from 3 submitters: Uncertain significance (2); Likely benign (1). Last evaluated 2023-04-10.

Conditions:
Cardiovascular phenotype. Identifiers: MedGen CN230736.
Atrial fibrillation, familial, 12 (ATFB12). Identifiers: MedGen C3279695, MONDO:0013545, OMIM 614050.
Dilated cardiomyopathy 1O (CMD1O). Also called: CARDIOMYOPATHY, DILATED, WITH VENTRICULAR TACHYCARDIA. Identifiers: Orphanet 154, MedGen C1837839, MONDO:0012062, OMIM 608569.

gnomAD v4.1: 1 of 1,613,794 alleles (0.000062%); no homozygotes.

Submissions (3):

Labcorp Genetics (formerly Invitae), Labcorp
Classification: Uncertain significance for Dilated cardiomyopathy 1O. Last evaluated: 2023-04-10. Review status: criteria provided, single submitter. Criteria: Invitae Variant Classification Sherloc (09022015). Collection method: clinical testing. Allele origin: germline.
Comment: This sequence change affects codon 1504 of the ABCC9 mRNA. It is a 'silent' change, meaning that it does not change the encoded amino acid sequence of the ABCC9 protein. It affects a nucleotide within the consensus splice site. In summary, the available evidence is currently insufficient to determine the role of this variant in disease. Therefore, it has been classified as a Variant of Uncertain Significance. Algorithms developed to predict the effect of sequence changes on RNA splicing suggest that this variant is not likely to affect RNA splicing. ClinVar contains an entry for this variant (Variation ID: 1741141). This variant has not been reported in the literature in individuals affected with ABCC9-related conditions. This variant is not present in population databases (gnomAD no frequency).

Ambry Genetics
Classification: Likely benign for Cardiovascular phenotype. Last evaluated: 2022-03-15. Review status: criteria provided, single submitter. Criteria: Ambry Variant Classification Scheme 2023. Collection method: clinical testing. Allele origin: germline.

Clinical Genomics Laboratory, Stanford Medicine
Classification: Uncertain significance for Atrial fibrillation, familial, 12. Last evaluated: 2021-07-21. Review status: criteria provided, single submitter. Criteria: ACMG Guidelines, 2015. Collection method: clinical testing. Allele origin: germline. Affected: yes. Observed: 1 heterozygote.
Comment: The p.Ala1504= variant in the ABCC9gene has not been previously reported in association with disease. This variant was absent from large population databases, including the Genome Aggregation Database. This variant is a synonymous variant that alters the canonical donor splice site in exon 39 and computational tools predict an impact to splicing. However, the accuracy of these computational tools is limited. These data were assessed using the ACMG/AMP variant interpretation guidelines. In summary, the significance of the p.Ala1504=variant is uncertain. Additional information is needed to resolve the significance of this variant. [ACMG evidence codes used: PM2; PP3]